The following is an entry in ClinVar:

ClinVar aggregate classification (germline): Uncertain significance. Review status: criteria provided, multiple submitters, no conflicts (2 of 4 stars). 4 submissions from 4 submitters: Uncertain significance (3). 1 of the submissions does not count toward it. Last evaluated 2024-06-02.

Conditions:
Autosomal recessive inherited pseudoxanthoma elasticum (PXE). Identifiers: Orphanet 758, MedGen CN032334, MONDO:0009925, OMIM 264800.
Pseudoxanthoma elasticum, forme fruste. Also called: Pseudoxanthoma Elasticum, Incomplete; PSEUDOXANTHOMA ELASTICUM, HETEROZYGOUS. Identifiers: Orphanet 758, MedGen C1867450, MONDO:0008333, OMIM 177850.
Arterial calcification, generalized, of infancy, 2. Identifiers: Orphanet 51608, MedGen C3276161, MONDO:0013768, OMIM 614473.

Allele frequency attached by ClinVar (database versions not stated): gnomAD 0.00003 and 0.00004; TOPMed 0.00003; gnomAD exomes 0.00004; ExAC 0.00005.
gnomAD v4.1: 36 of 1,612,942 alleles (0.0022%); highest among the groups gnomAD compares: Admixed American, 0.0067%; no homozygotes.

Submissions (4):

Labcorp Genetics (formerly Invitae), Labcorp
Classification: Uncertain significance. Last evaluated: 2024-06-02. Review status: criteria provided, single submitter. Criteria: Invitae Variant Classification Sherloc (09022015). Collection method: clinical testing. Allele origin: germline.
Comment: This sequence change replaces valine, which is neutral and non-polar, with methionine, which is neutral and non-polar, at codon 417 of the ABCC6 protein (p.Val417Met). This variant is present in population databases (rs768869262, gnomAD 0.009%). This variant has not been reported in the literature in individuals affected with ABCC6-related conditions. ClinVar contains an entry for this variant (Variation ID: 1049407). Advanced modeling of protein sequence and biophysical properties (such as structural, functional, and spatial information, amino acid conservation, physicochemical variation, residue mobility, and thermodynamic stability) has been performed at Invitae for this missense variant, however the output from this modeling did not meet the statistical confidence thresholds required to predict the impact of this variant on ABCC6 protein function. In summary, the available evidence is currently insufficient to determine the role of this variant in disease. Therefore, it has been classified as a Variant of Uncertain Significance.

Fulgent Genetics
Classification: Uncertain significance for Pseudoxanthoma elasticum, forme fruste; Autosomal recessive inherited pseudoxanthoma elasticum; Arterial calcification, generalized, of infancy, 2. Last evaluated: 2024-05-28. Review status: criteria provided, single submitter. Criteria: ACMG Guidelines, 2015. Collection method: clinical testing. Allele origin: germline.

Blueprint Genetics
Classification: Uncertain significance. Last evaluated: 2023-12-27. Review status: criteria provided, single submitter. Criteria: ACMG Guidelines, 2015. Collection method: clinical testing. Allele origin: germline.

Department of Pathology and Laboratory Medicine, Sinai Health System
Classification: Uncertain significance. Review status: no assertion criteria provided. Collection method: clinical testing. Allele origin: unknown. Affected: yes. Study: The Canadian Open Genetics Repository (COGR). Not counted in ClinVar's aggregate classification.
Comment: The ABCC6 p.Val417Met variant was identified in 5 of 48 proband chromosomes (frequency: 0.104) from individuals with pseudoxamthoma elasticum; the authors of the study considered this variant to be non-pathogenic (Ramsay_2009_PMID:19339160). The variant was identified in dbSNP (ID: rs768869262) but was not identified in ClinVar or LOVD 3.0. The variant was identified in control databases in 10 of 278540 chromosomes at a frequency of 0.0000359 (Genome Aggregation Database March 6, 2019, v2.1.1). The variant was observed in the following populations: Latino in 3 of 35104 chromosomes (freq: 0.000085), African in 1 of 24440 chromosomes (freq: 0.000041), European (non-Finnish) in 5 of 127082 chromosomes (freq: 0.000039) and South Asian in 1 of 30112 chromosomes (freq: 0.000033), but was not observed in the Ashkenazi Jewish, East Asian, European (Finnish), or Other populations. The p.Val417 residue is not conserved in mammals and computational analyses (PolyPhen-2, SIFT, AlignGVGD, BLOSUM, MutationTaster) provide inconsistent predictions regarding the impact to the protein; this information is not very predictive of pathogenicity. The variant occurs outside of the splicing consensus sequence and in silico or computational prediction software programs (SpliceSiteFinder, MaxEntScan, NNSPLICE, GeneSplicer) do not predict a difference in splicing. In summary, based on the above information the clinical significance of this variant cannot be determined with certainty at this time. This variant is classified as a variant of uncertain significance.

NM_001171.6(ABCC6):c.1249G>A (p.Val417Met)

Gene: ABCC6 (ATP binding cassette subfamily C member 6; minus strand). Cytogenetic location: 16p13.11.
Variant type: single nucleotide variant.
Coding change: c.1249G>A on transcript NM_001171.6 (MANE Select); coding-DNA position 1249, G replaced by A.
Protein change: p.Val417Met; replaces valine 417 with methionine.
Molecular consequence: missense variant. On other transcripts: non-coding transcript variant (1).
Genome position (GRCh38, 1-based): chr16:16,198,110, C>T on the plus strand (G>A on the coding strand, the complement: ABCC6 is on the minus strand). VCF-style: chr16-16198110-C-T. GRCh37 (hg19) VCF-style: chr16-16291967-C-T.
Other names: c.907G>A, p.Val303Met (NM_001351800.1); short protein forms V303M, V417M.
Identifiers: ClinVar variation 1049407 (VCV001049407.6), dbSNP rs768869262, ClinGen allele CA7926393.